The following is an entry in ClinVar:

ClinVar aggregate classification (germline): Uncertain significance (1 of 4 stars; one submission).

Conditions:
Haddad syndrome (OHD). Also called: Ondine-Hirschsprung disease. Identifiers: Orphanet 99803, MedGen C1859049, MONDO:0020493.

Submission:

Labcorp Genetics (formerly Invitae), Labcorp
Classification: Uncertain significance for Haddad syndrome. Last evaluated: 2021-05-27. Review status: criteria provided, single submitter. Criteria: Invitae Variant Classification Sherloc (09022015). Collection method: clinical testing. Allele origin: germline.
Comment: In summary, the available evidence is currently insufficient to determine the role of this variant in disease. Therefore, it has been classified as a Variant of Uncertain Significance. Algorithms developed to predict the effect of missense changes on protein structure and function are either unavailable or do not agree on the potential impact of this missense change (SIFT: "Deleterious"; PolyPhen-2: "Not Available"; Align-GVGD: "Class C0"). This variant has not been reported in the literature in individuals with PHOX2B-related conditions. This variant is not present in population databases (ExAC no frequency). This sequence change replaces glycine with valine at codon 213 of the PHOX2B protein (p.Gly213Val). The glycine residue is moderately conserved and there is a moderate physicochemical difference between glycine and valine.

NM_003924.4(PHOX2B):c.638G>T (p.Gly213Val)

Gene: PHOX2B (paired like homeobox 2B; minus strand). Cytogenetic location: 4p13.
Variant type: single nucleotide variant.
Coding change: c.638G>T on transcript NM_003924.4 (MANE Select); coding-DNA position 638, G replaced by T.
Protein change: p.Gly213Val; replaces glycine 213 with valine.
Molecular consequence: missense variant.
Genome position (GRCh38, 1-based): chr4:41,746,114, C>A on the plus strand (G>T on the coding strand, the complement: PHOX2B is on the minus strand). VCF-style: chr4-41746114-C-A. GRCh37 (hg19) VCF-style: chr4-41748131-C-A.
Other names: short protein forms G213V.
Identifiers: ClinVar variation 1356626 (VCV001356626.8), dbSNP rs1328014263, ClinGen allele CA356737559.